The following is an entry in ClinVar:

NM_000018.4(ACADVL):c.62+2T>C

Genes: ACADVL (acyl-CoA dehydrogenase very long chain; plus strand), DLG4 (discs large MAGUK scaffold protein 4; minus strand). Cytogenetic location: 17p13.1.
Variant type: single nucleotide variant.
Coding change: c.62+2T>C on transcript NM_000018.4 (MANE Select); the canonical splice donor site of the intron after coding-DNA position 62, T replaced by C.
Molecular consequence: splice donor variant. On other transcripts: 5 prime UTR variant (2), non-coding transcript variant (1), intron variant (1).
Genome position (GRCh38, 1-based): chr17:7,220,048, T>C. VCF-style: chr17-7220048-T-C. GRCh37 (hg19) VCF-style: chr17-7123367-T-C.
Other names: c.-1199A>G (NM_001321074.1); c.-240T>C (NM_001270448.2); c.132-74T>C (NM_001270447.2); c.62+2T>C (NM_001033859.3).
Identifiers: ClinVar variation 2695874 (VCV002695874.3), dbSNP rs2142959784, ClinGen allele CA397722014.

ClinVar aggregate classification (germline): Likely pathogenic (1 of 4 stars; one submission).

Conditions:
Very long chain acyl-CoA dehydrogenase deficiency (ACADVLD). Also called: VLCAD Deficiency; Very Long-Chain Acyl-Coenzyme A Dehydrogenase Deficiency. Identifiers: Orphanet 26793, MedGen C3887523, MONDO:0008723, OMIM 201475.

Submission:

Labcorp Genetics (formerly Invitae), Labcorp
Classification: Likely pathogenic for Very long chain acyl-CoA dehydrogenase deficiency. Last evaluated: 2024-02-05. Review status: criteria provided, single submitter. Criteria: Invitae Variant Classification Sherloc (09022015). Collection method: clinical testing. Allele origin: germline.
Comment: This sequence change affects a donor splice site in intron 1 of the ACADVL gene. It is expected to disrupt RNA splicing. Variants that disrupt the donor or acceptor splice site typically lead to a loss of protein function (PMID: 16199547), and loss-of-function variants in ACADVL are known to be pathogenic (PMID: 9973285, 11590124). This variant is not present in population databases (gnomAD no frequency). This variant has not been reported in the literature in individuals affected with ACADVL-related conditions. Algorithms developed to predict the effect of sequence changes on RNA splicing suggest that this variant may disrupt the consensus splice site. In summary, the currently available evidence indicates that the variant is pathogenic, but additional data are needed to prove that conclusively. Therefore, this variant has been classified as Likely Pathogenic.

Literature cited by the submitters: PubMed 16199547; PubMed 9973285; PubMed 11590124.